The following is an entry in ClinVar:

NM_000512.5(GALNS):c.775C>G (p.Arg259Gly)

Gene: GALNS (galactosamine (N-acetyl)-6-sulfatase; minus strand). Cytogenetic location: 16q24.3.
Variant type: single nucleotide variant.
Coding change: c.775C>G on transcript NM_000512.5 (MANE Select); coding-DNA position 775, C replaced by G.
Protein change: p.Arg259Gly; replaces arginine 259 with glycine.
Molecular consequence: missense variant.
Genome position (GRCh38, 1-based): chr16:88,835,336, G>C on the plus strand (C>G on the coding strand, the complement: GALNS is on the minus strand). VCF-style: chr16-88835336-G-C. GRCh37 (hg19) VCF-style: chr16-88901744-G-C.
Other names: c.220C>G, p.Arg74Gly (NM_001323543.2); c.793C>G, p.Arg265Gly (NM_001323544.2); short protein forms R259G, R265G, R74G.
Identifiers: ClinVar variation 1048303 (VCV001048303.3), dbSNP rs61742258, ClinGen allele CA397079005.
Genomic context (GRCh38, chr16:88,835,336, plus strand): 5'-CCGCGACGTGCAGGTCTTGGAGGAGCTCCAGTATCTTCCCAATGCTGTCATCAATCTCCC[G>C]GACGGCGTCTCCATACCTGCAGGATGGTGACAAAAGGCATCTCCATACCTGGAGGATGGT-3'
Protein context (NP_000503.1, residues 249-269): SQRGRYGDAV[Arg259Gly]EIDDSIGKIL

ClinVar aggregate classification (germline): Uncertain significance (1 of 4 stars; one submission).

Conditions:
Mucopolysaccharidosis, MPS-IV-A (MPS4A). Also called: Mucopolysaccharidosis type IV A; Mucopolysaccharidosis Type IVA; Morquio syndrome A, mild; MORQUIO SYNDROME A; MPS IVA; mucopolysaccharidosis type 4A. Identifiers: Orphanet 309297, Orphanet 582, MedGen C0086651, MONDO:0009659, OMIM 253000.

Submission:

Laboratory of Diagnosis and Therapy of Lysosomal Disorders, University of Padova
Classification: Uncertain significance for Mucopolysaccharidosis, MPS-IV-A. Last evaluated: 2021-02-01. Review status: criteria provided, single submitter. Criteria: ACMG Guidelines, 2015. Collection method: curation. Allele origin: germline. Affected: yes.
Comment: Absent from gnomAD v2.1.1 (PM2_moderate); cosegregation with disease in multiple affected family members in a gene definitively known to cause the disease (PP1_supporting); multiple lines of computational evidence support a deleterious effect on the gene (PP3_supporting)

Literature cited by the submitters: PubMed 30927141; PubMed 34387910.